The following is an entry in ClinVar:

NM_017614.5(BHMT2):c.174A>G (p.Gln58=)

Gene: BHMT2 (betaine--homocysteine S-methyltransferase 2; plus strand). Cytogenetic location: 5q14.1.
Variant type: single nucleotide variant.
Coding change: c.174A>G on transcript NM_017614.5 (MANE Select); coding-DNA position 174, A replaced by G.
Protein change: p.Gln58=; no amino-acid change (glutamine 58 retained).
Molecular consequence: synonymous variant.
Genome position (GRCh38, 1-based): chr5:79,079,376, A>G. VCF-style: chr5-79079376-A-G. GRCh37 (hg19) VCF-style: chr5-78375199-A-G.
Other names: c.174A>G, p.Gln58= (NM_001178005.2).
Identifiers: ClinVar variation 732484 (VCV000732484.5), dbSNP rs774337484, ClinGen allele CA3319154.
Genomic context (GRCh38, chr5:79,079,376, plus strand): 5'-GTAATATTTCTTTATTCATTTATTTCAATGTTTAAAACCCAACTACTTTGTAGTTCGTCA[A>G]CTTCACATGGAATTCTTGAGAGCAGGATCAAATGTCATGCAGACTTTTACCTTTTCTGCC-3'
Protein context (NP_060084.2, residues 48-68): AVIEHPDAVR[Gln58=]LHMEFLRAGS

ClinVar aggregate classification (germline): Likely benign. Review status: criteria provided, multiple submitters, no conflicts (2 of 4 stars). 2 submissions from 2 submitters: Likely benign (2). Last evaluated 2026-09-01.

Allele frequency attached by ClinVar (database versions not stated): gnomAD 0.00002 and 0.00018; TOPMed 0.00029.
gnomAD v4.1: 60 of 1,612,068 alleles (0.0037%); highest among the groups gnomAD compares: Non-Finnish European, 0.0025%; no homozygotes.

Submissions (2):

CeGaT Center for Human Genetics Tuebingen
Classification: Likely benign. Last evaluated: 2026-09-01. Review status: criteria provided, single submitter. Criteria: CeGaT Center For Human Genetics Tuebingen Variant Classification Criteria Version 2. Collection method: clinical testing. Allele origin: germline. Affected: yes. Observed: 1 variant allele.
Comment: BHMT2: BP4, BP7

Labcorp Genetics (formerly Invitae), Labcorp
Classification: Likely benign. Last evaluated: 2019-12-31. Review status: criteria provided, single submitter. Criteria: Invitae Variant Classification Sherloc (09022015). Collection method: clinical testing. Allele origin: germline.